The following is an entry in ClinVar:

NM_001369.3(DNAH5):c.12858_12863delinsGTAAAAT (p.Tyr4287_Asn4288delinsTer)

Gene: DNAH5 (dynein axonemal heavy chain 5; minus strand). Cytogenetic location: 5p15.2.
Variant type: Indel.
Coding change: c.12858_12863delinsGTAAAAT on transcript NM_001369.3 (MANE Select); coding-DNA positions 12858 to 12863, ATACAA replaced by GTAAAAT.
Protein change: p.Tyr4287_Asn4288delinsTer.
Molecular consequence: nonsense.
Genome position (GRCh38, 1-based): chr5:13,716,533-13,716,538, TTGTAT replaced by ATTTTAC on the plus strand (ATACAA replaced by GTAAAAT on the coding strand, the reverse complement: DNAH5 is on the minus strand). VCF-style: chr5-13716533-TTGTAT-ATTTTAC. GRCh37 (hg19) VCF-style: chr5-13716642-TTGTAT-ATTTTAC.
Identifiers: ClinVar variation 1768818 (VCV001768818.2), dbSNP rs2546508833, ClinGen allele CA2580071979.

ClinVar aggregate classification (germline): Pathogenic (1 of 4 stars; one submission).

Conditions:
Primary ciliary dyskinesia. Also called: Ciliary dyskinesia. Identifiers: Orphanet 244, MedGen C0008780, MONDO:0016575, HP:0012265.

Submission:

Ambry Genetics
Classification: Pathogenic for Primary ciliary dyskinesia. Last evaluated: 2017-11-01. Review status: criteria provided, single submitter. Criteria: Ambry Variant Classification Scheme 2023. Collection method: clinical testing. Allele origin: germline.
Comment: The c.12858_12863delATACAAinsGTAAAAT pathogenic mutation, located in coding exon 74 of the DNAH5 gene, results from the deletion of 6 nucleotides and insertion of 7 nucleotides at positions 12858 to 12863. The inserted nucleotides introduce an alternate stop codon (p.Y4287*). This alteration is expected to result in loss of function by premature protein truncation or nonsense-mediated mRNA decay. As such, this alteration is interpreted as a disease-causing mutation.